The following is an entry in ClinVar:

NM_001368809.2(AMPD2):c.1173C>T (p.Ile391=)

Genes: AMPD2 (adenosine monophosphate deaminase 2; plus strand), LOC126805822 (BRD4-independent group 4 enhancer GRCh37_chr1:110170748-110171947; plus strand). Cytogenetic location: 1p13.3.
Variant type: single nucleotide variant.
Coding change: c.1173C>T on transcript NM_001368809.2 (MANE Select); coding-DNA position 1173, C replaced by T.
Protein change: p.Ile391=; no amino-acid change (isoleucine 391 retained).
Molecular consequence: synonymous variant.
Genome position (GRCh38, 1-based): chr1:109,628,175, C>T. VCF-style: chr1-109628175-C-T. GRCh37 (hg19) VCF-style: chr1-110170797-C-T.
Other names: c.1335C>T, p.Ile445= (NM_001257360.2); c.981C>T, p.Ile327= (NM_001257361.2); c.1110C>T, p.Ile370= (NM_001308170.1); c.1173C>T, p.Ile391= (NM_004037.9); c.1092C>T, p.Ile364= (NM_139156.4).
Identifiers: ClinVar variation 2063458 (VCV002063458.18), dbSNP rs562274293, ClinGen allele CA993038.

ClinVar aggregate classification (germline): Likely benign. Review status: criteria provided, multiple submitters, no conflicts (2 of 4 stars). 3 submissions from 3 submitters: Likely benign (3). Last evaluated 2025-08-17.

Conditions:
Pontocerebellar hypoplasia type 9. Identifiers: Orphanet 369920, MedGen C4014354, MONDO:0014351, OMIM 615809.
Hereditary spastic paraplegia 63. Also called: Spastic paraplegia 63, autosomal recessive. Identifiers: Orphanet 401805, MedGen C3810295, MONDO:0014305, OMIM 615686.

Allele frequency attached by ClinVar (database versions not stated): ExAC 0.00002; TOPMed 0.00005.
gnomAD v4.1: 48 of 1,613,938 alleles (0.003%); highest among the groups gnomAD compares: Admixed American, 0.028%; no homozygotes.

Submissions (3):

Labcorp Genetics (formerly Invitae), Labcorp
Classification: Likely benign for Pontocerebellar hypoplasia type 9; Hereditary spastic paraplegia 63. Last evaluated: 2025-08-17. Review status: criteria provided, single submitter. Criteria: Invitae Variant Classification Sherloc (09022015). Collection method: clinical testing. Allele origin: germline.

CeGaT Center for Human Genetics Tuebingen
Classification: Likely benign. Last evaluated: 2024-09-01. Review status: criteria provided, single submitter. Criteria: CeGaT Center For Human Genetics Tuebingen Variant Classification Criteria Version 2. Collection method: clinical testing. Allele origin: germline. Affected: yes. Observed: 1 variant allele.
Comment: AMPD2: BP4, BP7

Breakthrough Genomics
Classification: Likely benign. Review status: criteria provided, single submitter. Criteria: ACMG Guidelines, 2015. Collection method: not provided. Allele origin: germline. Inheritance: Autosomal recessive inheritance. Affected: yes.